The following is an entry in ClinVar:

ClinVar aggregate classification (germline): Uncertain significance (1 of 4 stars; one submission).

Submission:

Labcorp Genetics (formerly Invitae), Labcorp
Classification: Uncertain significance. Last evaluated: 2023-06-30. Review status: criteria provided, single submitter. Criteria: Invitae Variant Classification Sherloc (09022015). Collection method: clinical testing. Allele origin: germline.
Comment: In summary, the available evidence is currently insufficient to determine the role of this variant in disease. Therefore, it has been classified as a Variant of Uncertain Significance. Variants that disrupt the consensus splice site are a relatively common cause of aberrant splicing (PMID: 17576681, 9536098). Algorithms developed to predict the effect of sequence changes on RNA splicing suggest that this variant is not likely to affect RNA splicing. ClinVar contains an entry for this variant (Variation ID: 1478610). This variant has not been reported in the literature in individuals affected with GPR179-related conditions. This variant is not present in population databases (gnomAD no frequency). This sequence change falls in intron 4 of the GPR179 gene. It does not directly change the encoded amino acid sequence of the GPR179 protein. It affects a nucleotide within the consensus splice site.

Literature cited by the submitters: PubMed 17576681; PubMed 9536098.

NM_001004334.4(GPR179):c.1227+3A>G

Gene: GPR179 (G protein-coupled receptor 179; minus strand). Cytogenetic location: 17q12.
Variant type: single nucleotide variant.
Coding change: c.1227+3A>G on transcript NM_001004334.4 (MANE Select); 3 bases into the intron after coding-DNA position 1227, A replaced by G.
Molecular consequence: intron variant.
Genome position (GRCh38, 1-based): chr17:38,336,975, T>C on the plus strand (A>G on the coding strand, the complement: GPR179 is on the minus strand). VCF-style: chr17-38336975-T-C. GRCh37 (hg19) VCF-style: chr17-36492858-T-C.
Identifiers: ClinVar variation 1478610 (VCV001478610.6), dbSNP rs2144272567, ClinGen allele CA2573153924.